The following is an entry in ClinVar:

NM_000059.4(BRCA2):c.8894A>C (p.Asp2965Ala)

Gene: BRCA2 (BRCA2 DNA repair associated; plus strand). Cytogenetic location: 13q13.1.
Variant type: single nucleotide variant.
Coding change: c.8894A>C on transcript NM_000059.4 (MANE Select); coding-DNA position 8894, A replaced by C.
Protein change: p.Asp2965Ala; replaces aspartic acid 2965 with alanine.
Molecular consequence: missense variant.
Genome position (GRCh38, 1-based): chr13:32,379,456, A>C. VCF-style: chr13-32379456-A-C. GRCh37 (hg19) VCF-style: chr13-32953593-A-C.
Other names: c.8798A>C, p.Asp2933Ala (NM_001406719.1); c.8894A>C, p.Asp2965Ala (NM_001406720.1); c.3962A>C, p.Asp1321Ala (NM_001406721.1); c.2477A>C, p.Asp826Ala (NM_001406722.1); short protein forms D1321A, D2965A, D826A, D2933A.
Identifiers: ClinVar variation 2095678 (VCV002095678.4), dbSNP rs767481384, ClinGen allele CA387756513.

ClinVar aggregate classification (germline): Uncertain significance (1 of 4 stars; one submission).

Conditions:
Hereditary breast ovarian cancer syndrome. Also called: Hereditary breast and/or ovarian cancer syndrome; Hereditary breast and ovarian cancer syndrome; Hereditary breast and ovarian cancer; Hereditary breast and ovarian cancer syndrome (HBOC); Breast and ovarian cancer; BRCA1- and BRCA2-Associated Hereditary Breast and Ovarian Cancer. Identifiers: Orphanet 145, MedGen C0677776, MeSH D061325, MONDO:0003582. Disease mechanism: loss of function.

Submission:

Labcorp Genetics (formerly Invitae), Labcorp
Classification: Uncertain significance for Hereditary breast ovarian cancer syndrome. Last evaluated: 2022-02-09. Review status: criteria provided, single submitter. Criteria: Invitae Variant Classification Sherloc (09022015). Collection method: clinical testing. Allele origin: germline.
Comment: This sequence change replaces aspartic acid, which is acidic and polar, with alanine, which is neutral and non-polar, at codon 2965 of the BRCA2 protein (p.Asp2965Ala). This variant is not present in population databases (gnomAD no frequency). This variant has not been reported in the literature in individuals affected with BRCA2-related conditions. Advanced modeling of protein sequence and biophysical properties (such as structural, functional, and spatial information, amino acid conservation, physicochemical variation, residue mobility, and thermodynamic stability) performed at Invitae indicates that this missense variant is not expected to disrupt BRCA2 protein function. In summary, the available evidence is currently insufficient to determine the role of this variant in disease. Therefore, it has been classified as a Variant of Uncertain Significance.